The following is an entry in ClinVar:

ClinVar aggregate classification (germline): Likely benign (1 of 4 stars; one submission).

Submission:

CeGaT Center for Human Genetics Tuebingen
Classification: Likely benign. Last evaluated: 2024-12-01. Review status: criteria provided, single submitter. Criteria: CeGaT Center For Human Genetics Tuebingen Variant Classification Criteria Version 2. Collection method: clinical testing. Allele origin: germline. Affected: yes. Observed: 1 variant allele.
Comment: CACNA1G: BP4, BS1

NM_018896.5(CACNA1G):c.2646G>A (p.Leu882=)

Gene: CACNA1G (calcium voltage-gated channel subunit alpha1 G; plus strand). Cytogenetic location: 17q21.33.
Variant type: single nucleotide variant.
Coding change: c.2646G>A on transcript NM_018896.5 (MANE Select); coding-DNA position 2646, G replaced by A.
Protein change: p.Leu882=; no amino-acid change (leucine 882 retained).
Molecular consequence: synonymous variant. On other transcripts: non-coding transcript variant (5).
Genome position (GRCh38, 1-based): chr17:50,591,745, G>A. VCF-style: chr17-50591745-G-A. GRCh37 (hg19) VCF-style: chr17-48669106-G-A.
Other names: c.2646G>A, p.Leu882= (NM_001256324.2, NM_001256325.2, NM_001256326.2 and 24 more transcripts).
Identifiers: ClinVar variation 3771449 (VCV003771449.13).